The following is an entry in ClinVar:

NM_031157.4(HNRNPA1):c.1042T>C (p.Phe348Leu)

Gene: HNRNPA1 (heterogeneous nuclear ribonucleoprotein A1; plus strand). Cytogenetic location: 12q13.13.
Variant type: single nucleotide variant.
Coding change: c.1042T>C on transcript NM_031157.4 (MANE Select); coding-DNA position 1042, T replaced by C.
Protein change: p.Phe348Leu; replaces phenylalanine 348 with leucine.
Molecular consequence: missense variant. On other transcripts: non-coding transcript variant (1).
Genome position (GRCh38, 1-based): chr12:54,283,946, T>C. VCF-style: chr12-54283946-T-C. GRCh37 (hg19) VCF-style: chr12-54677730-T-C.
Other names: c.886T>C, p.Phe296Leu (NM_002136.4); short protein forms F348L, F296L.
Identifiers: ClinVar variation 135604 (VCV000135604.2), dbSNP rs483353035, ClinGen allele CA163071.

ClinVar aggregate classification (germline): Likely pathogenic (0 of 4 stars; one submission).

Conditions:
Chronic progressive multiple sclerosis. Identifiers: MedGen C0393665, MONDO:0005284.

Submission:

Demyelinating Disease Laboratories, VA Medical Center and University of Tennessee
Classification: Likely pathogenic. Review status: no assertion criteria provided. Collection method: not provided. Allele origin: somatic.
ClinVar note: Converted during submission from probable-pathogenic to Likely pathogenic.